The following is an entry in ClinVar:

ClinVar aggregate classification (germline): Uncertain significance (1 of 4 stars; one submission).

Conditions:
Primary ciliary dyskinesia. Also called: Ciliary dyskinesia. Identifiers: Orphanet 244, MedGen C0008780, MONDO:0016575, HP:0012265.

gnomAD v4.1: 2 of 1,614,072 alleles (0.00012%); highest among the groups gnomAD compares: Admixed American, 0.0033%; no homozygotes.

Submission:

Labcorp Genetics (formerly Invitae), Labcorp
Classification: Uncertain significance for Primary ciliary dyskinesia. Last evaluated: 2025-03-07. Review status: criteria provided, single submitter. Criteria: Invitae Variant Classification Sherloc (09022015). Collection method: clinical testing. Allele origin: germline.
Comment: This sequence change replaces isoleucine, which is neutral and non-polar, with methionine, which is neutral and non-polar, at codon 392 of the CCDC114 protein (p.Ile392Met). This variant is present in population databases (no rsID available, gnomAD 0.003%). This variant has not been reported in the literature in individuals affected with CCDC114-related conditions. An algorithm developed to predict the effect of missense changes on protein structure and function (PolyPhen-2) suggests that this variant is likely to be disruptive. In summary, the available evidence is currently insufficient to determine the role of this variant in disease. Therefore, it has been classified as a Variant of Uncertain Significance.

NM_001364171.2(ODAD1):c.1287C>G (p.Ile429Met)

Gene: ODAD1 (outer dynein arm docking complex subunit 1; minus strand). Cytogenetic location: 19q13.33.
Variant type: single nucleotide variant.
Coding change: c.1287C>G on transcript NM_001364171.2 (MANE Select); coding-DNA position 1287, C replaced by G.
Protein change: p.Ile429Met; replaces isoleucine 429 with methionine.
Molecular consequence: missense variant.
Genome position (GRCh38, 1-based): chr19:48,298,294, G>C on the plus strand (C>G on the coding strand, the complement: ODAD1 is on the minus strand). VCF-style: chr19-48298294-G-C. GRCh37 (hg19) VCF-style: chr19-48801551-G-C.
Other names: c.1176C>G, p.Ile392Met (NM_144577.4); short protein forms I429M, I392M.
Identifiers: ClinVar variation 4780021 (VCV004780021.1).